The following is an entry in ClinVar:

NM_022168.4(IFIH1):c.2293C>A (p.Pro765Thr)

Gene: IFIH1 (interferon induced with helicase C domain 1; minus strand). Cytogenetic location: 2q24.2.
Variant type: single nucleotide variant.
Coding change: c.2293C>A on transcript NM_022168.4 (MANE Select); coding-DNA position 2293, C replaced by A.
Protein change: p.Pro765Thr; replaces proline 765 with threonine.
Molecular consequence: missense variant.
Genome position (GRCh38, 1-based): chr2:162,276,698, G>T on the plus strand (C>A on the coding strand, the complement: IFIH1 is on the minus strand). VCF-style: chr2-162276698-G-T. GRCh37 (hg19) VCF-style: chr2-163133208-G-T.
Other names: short protein forms P765T.
Identifiers: ClinVar variation 3233719 (VCV003233719.2), dbSNP rs1474738840, ClinGen allele CA348996183.
Genomic context (GRCh38, chr2:162,276,698, plus strand): 5'-AAGAAAAGAGAAAGAAAAGAAAAGAAGTCGTCCAAAAGGATATTTATACCTGTGTCATGG[G>T]TTTGAACTCACTGCTGTGTCCAGCTCCAATCAGATGGTGGGCTTTGACTCCTACTTCAGC-3'
Protein context (NP_071451.2, residues 755-775): IGAGHSSEFK[Pro765Thr]MTQNEQKEVI

ClinVar aggregate classification (germline): Uncertain significance (1 of 4 stars; one submission).

Submission:

Women's Health and Genetics/Laboratory Corporation of America, LabCorp
Classification: Uncertain significance. Last evaluated: 2024-03-01. Review status: criteria provided, single submitter. Criteria: LabCorp Variant Classification Summary - May 2015. Collection method: clinical testing. Allele origin: germline.
Comment: Variant summary: IFIH1 c.2293C>A (p.Pro765Thr) results in a non-conservative amino acid change located in the Helicase, C-terminal domain-like domain (IPR001650) of the encoded protein sequence. Three of five in-silico tools predict a damaging effect of the variant on protein function. The variant was absent in 249982 control chromosomes (gnomAD). The available data on variant occurrences in the general population are insufficient to allow any conclusion about variant significance. To our knowledge, no occurrence of c.2293C>A in individuals affected with Aicardi-Goutieres Syndrome 7 and no experimental evidence demonstrating its impact on protein function have been reported. No submitters have cited clinical-significance assessments for this variant to ClinVar. Based on the evidence outlined above, the variant was classified as uncertain significance.